The following is an entry in ClinVar:

NM_001267550.2(TTN):c.65871G>A (p.Pro21957=)

Genes: TTN (titin; minus strand), TTN-AS1 (TTN antisense RNA 1; plus strand). Cytogenetic location: 2q31.2.
Variant type: single nucleotide variant.
Coding change: c.65871G>A on transcript NM_001267550.2 (MANE Select); coding-DNA position 65871, G replaced by A.
Protein change: p.Pro21957=; no amino-acid change (proline 21957 retained).
Molecular consequence: synonymous variant. On other transcripts: non-coding transcript variant (1).
Genome position (GRCh38, 1-based): chr2:178,582,585, C>T on the plus strand (G>A on the coding strand, the complement: TTN is on the minus strand). VCF-style: chr2-178582585-C-T. GRCh37 (hg19) VCF-style: chr2-179447312-C-T.
Other names: c.38676G>A, p.Pro12892= (NM_003319.4); c.39051G>A, p.Pro13017= (NM_133432.3); c.39252G>A, p.Pro13084= (NM_133437.4); c.60948G>A, p.Pro20316= (NM_001256850.1); c.58167G>A, p.Pro19389= (NM_133378.4).
Identifiers: ClinVar variation 228128 (VCV000228128.44), dbSNP rs771651842, ClinGen allele CA1991620.

ClinVar aggregate classification (germline): Likely benign. Review status: criteria provided, multiple submitters, no conflicts (2 of 4 stars). 8 submissions from 8 submitters: Likely benign (8). Last evaluated 2026-09-09.

Conditions:
TTN-related disorder. Also called: TTN-related condition; TTN-related disease; TTN-related disorders.
Cardiovascular phenotype. Identifiers: MedGen CN230736.
Autosomal recessive limb-girdle muscular dystrophy type 2J (LGMDR10). Also called: Limb-girdle muscular dystrophy, type 2J; MUSCULAR DYSTROPHY, LIMB-GIRDLE, AUTOSOMAL RECESSIVE 10. Identifiers: Orphanet 140922, MedGen C1837342, MONDO:0012127, OMIM 608807.
Dilated cardiomyopathy 1G (CMD1G). Identifiers: Orphanet 154, MedGen C1858763, MONDO:0011400, OMIM 604145.

Allele frequency attached by ClinVar (database versions not stated): gnomAD 0.00001; TOPMed 0.00002; ExAC 0.00003; gnomAD exomes 0.00007.
gnomAD v4.1: 113 of 1,604,448 alleles (0.007%); highest among the groups gnomAD compares: East Asian, 0.016%; no homozygotes.

Submissions (8):

PreventionGenetics, part of Exact Sciences
Classification: Likely benign for TTN-related condition. Last evaluated: 2026-09-09. Review status: criteria provided, single submitter. Criteria: ACMG Guidelines, 2015. Collection method: clinical testing. Allele origin: germline.
Comment: This variant is classified as likely benign based on ACMG/AMP sequence variant interpretation guidelines (Richards et al. 2015 PMID: 25741868, with internal and published modifications).

Labcorp Genetics (formerly Invitae), Labcorp
Classification: Likely benign for Dilated cardiomyopathy 1G; Autosomal recessive limb-girdle muscular dystrophy type 2J. Last evaluated: 2026-01-15. Review status: criteria provided, single submitter. Criteria: Invitae Variant Classification Sherloc (09022015). Collection method: clinical testing. Allele origin: germline.

CeGaT Center for Human Genetics Tuebingen
Classification: Likely benign. Last evaluated: 2025-07-01. Review status: criteria provided, single submitter. Criteria: CeGaT Center For Human Genetics Tuebingen Variant Classification Criteria Version 2. Collection method: clinical testing. Allele origin: germline. Affected: yes. Observed: 2 variant alleles.
Comment: TTN: BP4, BP7

Molecular Diagnostic Laboratory for Inherited Cardiovascular Disease, Montreal Heart Institute
Classification: Likely benign. Last evaluated: 2025-04-09. Review status: criteria provided, single submitter. Criteria: ACMG Guidelines, 2015. Collection method: clinical testing. Allele origin: germline. Affected: no.

Blueprint Genetics
Classification: Likely benign. Last evaluated: 2024-11-14. Review status: criteria provided, single submitter. Criteria: ACMG Guidelines, 2015. Collection method: clinical testing. Allele origin: germline.

Ambry Genetics
Classification: Likely benign for Cardiovascular phenotype. Last evaluated: 2022-11-27. Review status: criteria provided, single submitter. Criteria: Ambry Variant Classification Scheme 2023. Collection method: clinical testing. Allele origin: germline.

GeneDx
Classification: Likely benign. Last evaluated: 2017-08-08. Review status: criteria provided, single submitter. Criteria: GeneDx Variant Classification (06012015). Collection method: clinical testing. Allele origin: germline. Affected: yes.
Comment: This variant is considered likely benign or benign based on one or more of the following criteria: it is a conservative change, it occurs at a poorly conserved position in the protein, it is predicted to be benign by multiple in silico algorithms, and/or has population frequency not consistent with disease.

Laboratory for Molecular Medicine, Mass General Brigham Personalized Medicine
Classification: Likely benign. Last evaluated: 2015-03-11. Review status: criteria provided, single submitter. Criteria: LMM Criteria. Collection method: clinical testing. Allele origin: germline. Observed: 1 variant allele.
Comment: p.Pro19389Pro in exon 263 of TTN: This variant is not expected to have clinical significance because it does not alter an amino acid residue and is not located within the splice consensus sequence. It has been identified in 3/114416 of chr omosomes by the Exome Aggregation Consortium (ExAC, rg).